The following is an entry in ClinVar:

ClinVar aggregate classification (germline): Uncertain significance (1 of 4 stars; one submission).

Conditions:
Glycogen storage disease IXa1. Also called: LIVER GLYCOGENOSIS, X-LINKED, TYPE I; GLYCOGEN STORAGE DISEASE VIII; GSD VIII; Glycogen storage disease 8. Identifiers: Orphanet 264580, MedGen C3694531, MONDO:0010598, OMIM 306000.

Submission:

Labcorp Genetics (formerly Invitae), Labcorp
Classification: Uncertain significance for Glycogen storage disease IXa1. Last evaluated: 2024-09-16. Review status: criteria provided, single submitter. Criteria: Invitae Variant Classification Sherloc (09022015). Collection method: clinical testing. Allele origin: germline.
Comment: This sequence change replaces phenylalanine, which is neutral and non-polar, with serine, which is neutral and polar, at codon 170 of the PHKA2 protein (p.Phe170Ser). This variant is not present in population databases (gnomAD no frequency). This variant has not been reported in the literature in individuals affected with PHKA2-related conditions. Invitae Evidence Modeling of protein sequence and biophysical properties (such as structural, functional, and spatial information, amino acid conservation, physicochemical variation, residue mobility, and thermodynamic stability) indicates that this missense variant is expected to disrupt PHKA2 protein function with a positive predictive value of 80%. In summary, the available evidence is currently insufficient to determine the role of this variant in disease. Therefore, it has been classified as a Variant of Uncertain Significance.

NM_000292.3(PHKA2):c.509T>C (p.Phe170Ser)

Gene: PHKA2 (phosphorylase kinase regulatory subunit alpha 2; minus strand). Cytogenetic location: Xp22.13.
Variant type: single nucleotide variant.
Coding change: c.509T>C on transcript NM_000292.3 (MANE Select); coding-DNA position 509, T replaced by C.
Protein change: p.Phe170Ser; replaces phenylalanine 170 with serine.
Molecular consequence: missense variant.
Genome position (GRCh38, 1-based): chrX:18,948,772, A>G on the plus strand (T>C on the coding strand, the complement: PHKA2 is on the minus strand). VCF-style: chrX-18948772-A-G. GRCh37 (hg19) VCF-style: chrX-18966890-A-G.
Other names: short protein forms F170S.
Identifiers: ClinVar variation 2757858 (VCV002757858.3), dbSNP rs2518500277, ClinGen allele CA412373405.